The following is an entry in ClinVar:

ClinVar aggregate classification (germline): Likely benign (0 of 4 stars; one submission).

Conditions:
COL5A1-related disorder. Also called: COL5A1-related condition.

Allele frequency attached by ClinVar (database versions not stated): gnomAD exomes below 0.00001; ExAC 0.00001.
gnomAD v4.1: 4 of 1,610,808 alleles (0.00025%); highest among the groups gnomAD compares: Admixed American, 0.0067%; no homozygotes.

Submission:

PreventionGenetics, part of Exact Sciences
Classification: Likely benign for COL5A1-related condition. Last evaluated: 2019-04-30. Review status: no assertion criteria provided. Collection method: clinical testing. Allele origin: germline.
Comment: This variant is classified as likely benign based on ACMG/AMP sequence variant interpretation guidelines (Richards et al. 2015 PMID: 25741868, with internal and published modifications).

NM_000093.5(COL5A1):c.5136+120G>A

Genes: COL5A1 (collagen type V alpha 1 chain; plus strand), LOC101448202 (uncharacterized LOC101448202; minus strand). Cytogenetic location: 9q34.3.
Variant type: single nucleotide variant.
Coding change: c.5136+120G>A on transcript NM_000093.5 (MANE Select); 120 bases into the intron after coding-DNA position 5136, G replaced by A.
Molecular consequence: intron variant. On other transcripts: synonymous variant (1).
Genome position (GRCh38, 1-based): chr9:134,830,164, G>A. VCF-style: chr9-134830164-G-A. GRCh37 (hg19) VCF-style: chr9-137722010-G-A.
Other names: c.5124G>A, p.Lys1708= (NM_001278074.1).
Identifiers: ClinVar variation 3037923 (VCV003037923.2), dbSNP rs756925404, ClinGen allele CA5320627.